The following is an entry in ClinVar:

NM_001854.4(COL11A1):c.149C>T (p.Ser50Phe)

Gene: COL11A1 (collagen type XI alpha 1 chain; minus strand). Cytogenetic location: 1p21.1.
Variant type: single nucleotide variant.
Coding change: c.149C>T on transcript NM_001854.4 (MANE Select); coding-DNA position 149, C replaced by T.
Protein change: p.Ser50Phe; replaces serine 50 with phenylalanine.
Molecular consequence: missense variant. On other transcripts: non-coding transcript variant (1).
Genome position (GRCh38, 1-based): chr1:103,082,930, G>A on the plus strand (C>T on the coding strand, the complement: COL11A1 is on the minus strand). VCF-style: chr1-103082930-G-A. GRCh37 (hg19) VCF-style: chr1-103548486-G-A.
Other names: c.149C>T, p.Ser50Phe (NM_001190709.2, NM_080629.3, NM_080630.4); short protein forms S50F.
Identifiers: ClinVar variation 4076854 (VCV004076854.1).

ClinVar aggregate classification (germline): Uncertain significance (1 of 4 stars; one submission).

Submission:

GeneDx
Classification: Uncertain significance. Last evaluated: 2025-02-19. Review status: criteria provided, single submitter. Criteria: GeneDx Variant Classification Process June 2021. Collection method: clinical testing. Allele origin: germline. Affected: yes.
Comment: Not observed at significant frequency in large population cohorts (gnomAD); In silico analysis indicates that this missense variant does not alter protein structure/function; Not located in the triple helical region, where the majority of pathogenic missense variants occur (PMID: 25240749); Has not been previously published as pathogenic or benign to our knowledge; This variant is associated with the following publications: (PMID: 25240749)